The following is an entry in ClinVar:

NM_001394062.1(MACF1):c.21701G>A (p.Cys7234Tyr)

Gene: MACF1 (microtubule actin crosslinking factor 1; plus strand). Cytogenetic location: 1p34.3.
Variant type: single nucleotide variant.
Coding change: c.21701G>A on transcript NM_001394062.1 (MANE Select); coding-DNA position 21701, G replaced by A.
Protein change: p.Cys7234Tyr; replaces cysteine 7234 with tyrosine.
Molecular consequence: missense variant.
Genome position (GRCh38, 1-based): chr1:39,463,634, G>A. VCF-style: chr1-39463634-G-A. GRCh37 (hg19) VCF-style: chr1-39929306-G-A.
Other names: c.9779G>A, p.Cys3260Tyr (NM_001397473.1); c.15524G>A, p.Cys5175Tyr (NM_012090.5); short protein forms C3260Y, C5175Y, C7234Y.
Identifiers: ClinVar variation 5020684 (VCV005020684.1).
Genomic context (GRCh38, chr1:39,463,634, plus strand): 5'-CTACCCTTTACACTTTCCTTTTTGTTCACACCCAATAGGTTACAAGACAAGTGGCTCAGT[G>A]CAAATGTGCAAAAAGGTTTCAGGTGGAGCAGATCGGAGAGAATAAATACCGGGTAAGGAA-3'
Protein context (NP_001380991.1, residues 7224-7244): EDEVTRQVAQ[Cys7234Tyr]KCAKRFQVEQ

ClinVar aggregate classification (germline): Uncertain significance (1 of 4 stars; one submission).

Submission:

Dasa
Classification: Uncertain significance. Last evaluated: 2026-03-24. Review status: criteria provided, single submitter. Criteria: DASA Assertion Criteria. Collection method: clinical testing. Allele origin: germline.
Comment: NM_001394062.1(MACF1):c.21701G>A (p.Cys7234Tyr) is a missense variant that results in the substitution of cysteine with tyrosine. This variant is rare in population databases. Computational prediction algorithms are consistent with a deleterious effect. The currently available literature and clinical evidence are not sufficient to establish a definitive association between this variant and the reported condition. Therefore, this variant is classified as a variant of uncertain significance.